The following is an entry in ClinVar:

ClinVar aggregate classification (germline): Likely pathogenic (1 of 4 stars; one submission).

Conditions:
Autosomal recessive Alport syndrome (ATS2). Also called: COL4A4 Alport Syndrome and Thin Basement Membrane Nephropathy; ALPORT SYNDROME 2, AUTOSOMAL RECESSIVE; Alport syndrome type 2; COL4A3-Related Nephropathy. Identifiers: Orphanet 63, Orphanet 88919, MedGen C4746745, MONDO:0008762, OMIM 203780.

Allele frequency attached by ClinVar (database versions not stated): gnomAD exomes below 0.00001.
gnomAD v4.1: 1 of 1,613,956 alleles (0.000062%); highest among the groups gnomAD compares: Non-Finnish European, 0.000085%; no homozygotes.

Submission:

MVZ Medizinische Genetik Mainz
Classification: Likely pathogenic for Autosomal recessive Alport syndrome. Last evaluated: 2022-09-23. Review status: criteria provided, single submitter. Criteria: UK Practice Guidelines For Variant Classification V4 01 2020. Collection method: clinical testing. Allele origin: germline. Inheritance: Autosomal dominant inheritance. Observed: 1 variant allele.
Comment: ACMG Criteria: PM1_STR, PM2_SUP, PP3, PP4

NM_000092.5(COL4A4):c.2698G>T (p.Gly900Cys)

Gene: COL4A4 (collagen type IV alpha 4 chain; minus strand). Cytogenetic location: 2q36.3.
Variant type: single nucleotide variant.
Coding change: c.2698G>T on transcript NM_000092.5 (MANE Select); coding-DNA position 2698, G replaced by T.
Protein change: p.Gly900Cys; replaces glycine 900 with cysteine.
Molecular consequence: missense variant.
Genome position (GRCh38, 1-based): chr2:227,055,963, C>A on the plus strand (G>T on the coding strand, the complement: COL4A4 is on the minus strand). VCF-style: chr2-227055963-C-A. GRCh37 (hg19) VCF-style: chr2-227920679-C-A.
Other names: short protein forms G900C.
Identifiers: ClinVar variation 3236248 (VCV003236248.1), dbSNP rs2474116574, ClinGen allele CA350840800.